The following is an entry in ClinVar:

NM_001164277.2(SLC37A4):c.703G>T (p.Val235Leu)

Gene: SLC37A4 (solute carrier family 37 member 4; minus strand). Cytogenetic location: 11q23.3.
Variant type: single nucleotide variant.
Coding change: c.703G>T on transcript NM_001164277.2 (MANE Select); coding-DNA position 703, G replaced by T.
Protein change: p.Val235Leu; replaces valine 235 with leucine.
Molecular consequence: missense variant.
Genome position (GRCh38, 1-based): chr11:119,027,018, C>A on the plus strand (G>T on the coding strand, the complement: SLC37A4 is on the minus strand). VCF-style: chr11-119027018-C-A. GRCh37 (hg19) VCF-style: chr11-118897728-C-A.
Other names: c.703G>T, p.Val235Leu (NM_001164278.2, NM_001164280.2, NM_001467.6); c.484G>T, p.Val162Leu (NM_001164279.2); short protein forms V162L, V235L.
Identifiers: ClinVar variation 991008 (VCV000991008.5), dbSNP rs141105181, ClinGen allele CA6311753.

ClinVar aggregate classification (germline): Uncertain significance. Review status: criteria provided, multiple submitters, no conflicts (2 of 4 stars). 3 submissions from 3 submitters: Uncertain significance (2). 1 of the submissions does not count toward it. Last evaluated 2024-05-28.

Conditions:
Glucose-6-phosphate transport defect (GSD1B). Also called: Glycogen Storage Disease Type Ib; GSD Ib. Identifiers: Orphanet 364, Orphanet 79259, MedGen C0268146, MONDO:0009288, OMIM 232220.
Phosphate transport defect (GSD1C). Also called: GLYCOGEN STORAGE DISEASE Ic; GSD Ic. Identifiers: Orphanet 364, Orphanet 79259, MedGen C0342749, OMIM 232240.
Congenital disorder of glycosylation, type IIw. Identifiers: MedGen C5561986, MONDO:0030437, OMIM 619525.

Allele frequency attached by ClinVar (database versions not stated): gnomAD 0.00004 and 0.00005; TOPMed 0.00011; 1000 Genomes Project 0.00040; 1000 Genomes Project 30x 0.00047.

Submissions (3):

Labcorp Genetics (formerly Invitae), Labcorp
Classification: Uncertain significance for Glucose-6-phosphate transport defect. Last evaluated: 2024-05-28. Review status: criteria provided, single submitter. Criteria: Invitae Variant Classification Sherloc (09022015). Collection method: clinical testing. Allele origin: germline.
Comment: This sequence change replaces valine, which is neutral and non-polar, with leucine, which is neutral and non-polar, at codon 235 of the SLC37A4 protein (p.Val235Leu). This variant is present in population databases (rs141105181, gnomAD 0.1%). This variant has not been reported in the literature in individuals affected with SLC37A4-related conditions. ClinVar contains an entry for this variant (Variation ID: 991008). Advanced modeling of protein sequence and biophysical properties (such as structural, functional, and spatial information, amino acid conservation, physicochemical variation, residue mobility, and thermodynamic stability) performed at Invitae indicates that this missense variant is not expected to disrupt SLC37A4 protein function with a negative predictive value of 80%. In summary, the available evidence is currently insufficient to determine the role of this variant in disease. Therefore, it has been classified as a Variant of Uncertain Significance.

Fulgent Genetics
Classification: Uncertain significance for Glucose-6-phosphate transport defect; Phosphate transport defect; Congenital disorder of glycosylation, type IIw. Last evaluated: 2021-12-23. Review status: criteria provided, single submitter. Criteria: ACMG Guidelines, 2015. Collection method: clinical testing. Allele origin: unknown.

Natera, Inc.
Classification: Uncertain significance for Glycogen storage disease type Ib. Last evaluated: 2020-04-16. Review status: no assertion criteria provided. Collection method: clinical testing. Allele origin: germline. Not counted in ClinVar's aggregate classification.